The following is an entry in ClinVar:

ClinVar aggregate classification (germline): Pathogenic (1 of 4 stars; one submission).

Conditions:
Alstrom syndrome (ALMS). Identifiers: Orphanet 64, MedGen C0268425, MONDO:0008763, OMIM 203800.

Submission:

Labcorp Genetics (formerly Invitae), Labcorp
Classification: Pathogenic for Alstrom syndrome. Last evaluated: 2021-11-27. Review status: criteria provided, single submitter. Criteria: Invitae Variant Classification Sherloc (09022015). Collection method: clinical testing. Allele origin: germline.
Comment: For these reasons, this variant has been classified as Pathogenic. This variant has not been reported in the literature in individuals affected with ALMS1-related conditions. This variant is not present in population databases (gnomAD no frequency). This sequence change creates a premature translational stop signal (p.Arg3475Leufs*34) in the ALMS1 gene. It is expected to result in an absent or disrupted protein product. Loss-of-function variants in ALMS1 are known to be pathogenic (PMID: 17594715).

Literature cited by the submitters: PubMed 17594715.

NM_001378454.1(ALMS1):c.10421del (p.Arg3474fs)

Gene: ALMS1 (ALMS1 centrosome and basal body associated protein; plus strand). Cytogenetic location: 2p13.1.
Variant type: Deletion.
Coding change: c.10421del on transcript NM_001378454.1 (MANE Select); coding-DNA position 10421, one base deleted (G; older notation c.10421delG).
Protein change: p.Arg3474fs; shifts the reading frame from arginine 3474.
Molecular consequence: frameshift variant.
Genome position (GRCh38, 1-based): chr2:73,572,298, G deleted. VCF-style (leftmost placement, unchanged base first): chr2-73572297-CG-C. GRCh37 (hg19) VCF-style: chr2-73799424-CG-C.
Other names: c.10424del, p.Arg3475fs (NM_015120.4); short protein forms R3475fs, R3474fs.
Identifiers: ClinVar variation 1403381 (VCV001403381.6), dbSNP rs2104103586, ClinGen allele CA2573135798.
Genomic context (GRCh38, chr2:73,572,297, plus strand): 5'-CAAAATCTTTTTTTCTCCTTTTCAGAGTCCGAATGTCATTCAGAATTTGAAAATACTACC[CG>C]TTCTGTCTTCAGGTCAGCAAAGTTTTACATTCATCATCCCGTACACCTACCAAGTGATCA-3'